The following is an entry in ClinVar:

NM_022841.7(RFX7):c.1388C>T (p.Pro463Leu)

Gene: RFX7 (regulatory factor X7; minus strand). Cytogenetic location: 15q21.3.
Variant type: single nucleotide variant.
Coding change: c.1388C>T on transcript NM_022841.7 (MANE Select); coding-DNA position 1388, C replaced by T.
Protein change: p.Pro463Leu; replaces proline 463 with leucine.
Molecular consequence: missense variant.
Genome position (GRCh38, 1-based): chr15:56,096,340, G>A on the plus strand (C>T on the coding strand, the complement: RFX7 is on the minus strand). VCF-style: chr15-56096340-G-A. GRCh37 (hg19) VCF-style: chr15-56388538-G-A.
Other names: c.1097C>T, p.Pro366Leu (NM_001368073.2, NM_001368074.1, NM_001370554.1); c.1388C>T, p.Pro463Leu (NM_001370561.1); short protein forms P366L, P463L.
Identifiers: ClinVar variation 4076374 (VCV004076374.1).

ClinVar aggregate classification (germline): Uncertain significance (1 of 4 stars; one submission).

Conditions:
Intellectual developmental disorder, autosomal dominant 71, with behavioral abnormalities (MRD71). Identifiers: MedGen C5830437, MONDO:0957228, OMIM 620330.

Submission:

Laboratorio de Genetica e Diagnostico Molecular, Hospital Israelita Albert Einstein
Classification: Uncertain significance for Intellectual developmental disorder, autosomal dominant 71, with behavioral abnormalities. Last evaluated: 2025-04-04. Review status: criteria provided, single submitter. Criteria: ACMG Guidelines, 2015. Collection method: clinical testing. Allele origin: germline. Affected: yes.
Comment: ACMG classification criteria: PM2 supporting